The following is an entry in ClinVar:

NC_000023.10:g.(?_76829695)_(77381327_?)dup

Genes: ATP7A (ATPase copper transporting alpha; plus strand), ATRX (ATRX chromatin remodeler; minus strand), COX7B (cytochrome c oxidase subunit 7B; plus strand), MAGT1 (magnesium transporter 1; minus strand), PGAM4 (phosphoglycerate mutase family member 4; minus strand) and 1 more. Cytogenetic location: Xq21.1.
Variant type: Duplication.
Identifiers: ClinVar variation 3244761 (VCV003244761.1).

ClinVar aggregate classification (germline): Uncertain significance (1 of 4 stars; one submission).

Conditions:
Menkes kinky-hair syndrome (MNK). Also called: Classic Menkes Disease; Copper transport disease; Menkes Disease. Identifiers: Orphanet 565, MedGen C0022716, MONDO:0010651, OMIM 309400.
X-linked distal spinal muscular atrophy type 3. Also called: ATP7A-Related Distal Motor Neuropathy; SPINAL MUSCULAR ATROPHY, DISTAL, X-LINKED RECESSIVE; NEURONOPATHY, DISTAL HEREDITARY MOTOR, X-LINKED; NEUROPATHY, DISTAL HEREDITARY MOTOR, X-LINKED. Identifiers: Orphanet 139557, MedGen C1845359, MONDO:0010338, OMIM 300489.
Cutis laxa, X-linked (OHS). Also called: EDS IX; Occipital horn syndrome. Identifiers: Orphanet 198, MedGen C0268353, MONDO:0010572, OMIM 304150.

Submission:

Labcorp Genetics (formerly Invitae), Labcorp
Classification: Uncertain significance for X-linked distal spinal muscular atrophy type 3; Cutis laxa, X-linked; Menkes kinky-hair syndrome. Last evaluated: 2024-01-26. Review status: criteria provided, single submitter. Criteria: Invitae Variant Classification Sherloc (09022015). Collection method: clinical testing. Allele origin: unknown.
Comment: A copy number gain of the genomic region encompassing the full coding sequence of the ATP7A gene has been identified. The boundaries of this event are unknown as they extend beyond the assayed region for this gene and therefore may encompass additional genes. As the precise location of this event is unknown, it may be in tandem or it may be located elsewhere in the genome. This variant has not been reported in the literature in individuals affected with ATP7A-related conditions. In summary, the available evidence is currently insufficient to determine the role of this variant in disease. Therefore, it has been classified as a Variant of Uncertain Significance.